The following is an entry in ClinVar:

NM_001348768.2(HECW2):c.2051G>A (p.Cys684Tyr)

Gene: HECW2 (HECT, C2 and WW domain containing E3 ubiquitin protein ligase 2; minus strand). Cytogenetic location: 2q32.3.
Variant type: single nucleotide variant.
Coding change: c.2051G>A on transcript NM_001348768.2 (MANE Select); coding-DNA position 2051, G replaced by A.
Protein change: p.Cys684Tyr; replaces cysteine 684 with tyrosine.
Molecular consequence: missense variant.
Genome position (GRCh38, 1-based): chr2:196,318,839, C>T on the plus strand (G>A on the coding strand, the complement: HECW2 is on the minus strand). VCF-style: chr2-196318839-C-T. GRCh37 (hg19) VCF-style: chr2-197183563-C-T.
Other names: c.983G>A, p.Cys328Tyr (NM_001304840.3); c.2051G>A, p.Cys684Tyr (NM_020760.4); short protein forms C684Y, C328Y.
Identifiers: ClinVar variation 5006188 (VCV005006188.2).

ClinVar aggregate classification (germline): Uncertain significance (1 of 4 stars; one submission).

Conditions:
Neurodevelopmental disorder with hypotonia, seizures, and absent language (NDHSAL). Identifiers: MedGen C4310643, MONDO:0014995, OMIM 617268.

Submission:

Juno Genomics, Hangzhou Juno Genomics, Inc
Classification: Uncertain significance for Neurodevelopmental disorder with hypotonia, seizures, and absent language. Review status: criteria provided, single submitter. Criteria: ACMG Guidelines, 2015. Collection method: clinical testing. Allele origin: germline.
Comment: Absent from controls (or at extremely low frequency if recessive) in Genome Aggregation Database.;Missense variant in a gene that has a low rate of benign missense variation.;Multiple lines of computational evidence suggest no impact on gene or gene product.